The following is an entry in ClinVar:

NM_001267550.2(TTN):c.21624C>T (p.Thr7208=)

Gene: TTN (titin; minus strand). Cytogenetic location: 2q31.2.
Variant type: single nucleotide variant.
Coding change: c.21624C>T on transcript NM_001267550.2 (MANE Select); coding-DNA position 21624, C replaced by T.
Protein change: p.Thr7208=; no amino-acid change (threonine 7208 retained).
Molecular consequence: synonymous variant. On other transcripts: intron variant (3).
Genome position (GRCh38, 1-based): chr2:178,723,476, G>A on the plus strand (C>T on the coding strand, the complement: TTN is on the minus strand). VCF-style: chr2-178723476-G-A. GRCh37 (hg19) VCF-style: chr2-179588203-G-A.
Other names: c.20673C>T, p.Thr6891= (NM_001256850.1); c.17892C>T, p.Thr5964= (NM_133378.4); c.13282+14606C>T (NM_003319.4); c.13858+14606C>T (NM_133437.4); c.13657+14606C>T (NM_133432.3).
Identifiers: ClinVar variation 516807 (VCV000516807.10), dbSNP rs372818044, ClinGen allele CA2000996.
Genomic context (GRCh38, chr2:178,723,476, plus strand): 5'-ACCTTTCACAAAGAGACGGGTAGTGCAAGATGCTTGGCCAGCGTTGTTAGAAACCACACA[G>A]GTGTATTCCCCACTCTGAGATATGTCAATATTAAATAATTCCAGTTCTGCCACAGTGTCT-3'
Protein context (NP_001254479.2, residues 7198-7218): NIDISQSGEY[Thr7208=]CVVSNNAGQA

ClinVar aggregate classification (germline): Likely benign. Review status: criteria provided, multiple submitters, no conflicts (2 of 4 stars). 2 submissions from 2 submitters: Likely benign (2). Last evaluated 2024-06-19.

Conditions:
Dilated cardiomyopathy 1G (CMD1G). Identifiers: Orphanet 154, MedGen C1858763, MONDO:0011400, OMIM 604145.
Autosomal recessive limb-girdle muscular dystrophy type 2J (LGMDR10). Also called: Limb-girdle muscular dystrophy, type 2J; MUSCULAR DYSTROPHY, LIMB-GIRDLE, AUTOSOMAL RECESSIVE 10. Identifiers: Orphanet 140922, MedGen C1837342, MONDO:0012127, OMIM 608807.

Allele frequency attached by ClinVar (database versions not stated): gnomAD exomes below 0.00001 and 0.00001; TOPMed below 0.00001; ExAC 0.00001; gnomAD 0.00001; ESP Exome Variant Server 0.00008.

Submissions (2):

Labcorp Genetics (formerly Invitae), Labcorp
Classification: Likely benign for Dilated cardiomyopathy 1G; Autosomal recessive limb-girdle muscular dystrophy type 2J. Last evaluated: 2024-06-19. Review status: criteria provided, single submitter. Criteria: Invitae Variant Classification Sherloc (09022015). Collection method: clinical testing. Allele origin: germline.

GeneDx
Classification: Likely benign. Last evaluated: 2017-11-28. Review status: criteria provided, single submitter. Criteria: GeneDx Variant Classification (06012015). Collection method: clinical testing. Allele origin: germline. Affected: yes.
Comment: This variant is considered likely benign or benign based on one or more of the following criteria: it is a conservative change, it occurs at a poorly conserved position in the protein, it is predicted to be benign by multiple in silico algorithms, and/or has population frequency not consistent with disease.